The following is an entry in ClinVar:

NM_014846.4(WASHC5):c.2955-299T>G

Gene: WASHC5 (WASH complex subunit 5; minus strand). Cytogenetic location: 8q24.13.
Variant type: single nucleotide variant.
Coding change: c.2955-299T>G on transcript NM_014846.4 (MANE Select); 299 bases into the intron before coding-DNA position 2955, T replaced by G.
Molecular consequence: intron variant.
Genome position (GRCh38, 1-based): chr8:125,039,258, A>C on the plus strand (T>G on the coding strand, the complement: WASHC5 is on the minus strand). VCF-style: chr8-125039258-A-C. GRCh37 (hg19) VCF-style: chr8-126051500-A-C.
Other names: c.2511-299T>G (NM_001330609.2).
Identifiers: ClinVar variation 683810 (VCV000683810.1), dbSNP rs6470329, ClinGen allele CA12885860.

ClinVar aggregate classification (germline): Benign (1 of 4 stars; one submission).

Allele frequency attached by ClinVar (database versions not stated): gnomAD 0.16102 and 0.16369; TOPMed 0.16451; 1000 Genomes Project 0.19828; 1000 Genomes Project 30x 0.20175.
gnomAD v4.1: 24,311 of 152,162 alleles (16%); highest among the groups gnomAD compares: African/African-American, 39%; 3,567 homozygotes.

Submission:

GeneDx
Classification: Benign. Last evaluated: 2018-06-16. Review status: criteria provided, single submitter. Criteria: GeneDx Variant Classification (06012015). Collection method: clinical testing. Allele origin: germline. Affected: yes.
Comment: This variant is considered likely benign or benign based on one or more of the following criteria: it is a conservative change, it occurs at a poorly conserved position in the protein, it is predicted to be benign by multiple in silico algorithms, and/or has population frequency not consistent with disease.